The following is an entry in ClinVar:

NM_001100.4(ACTA1):c.-12-61del

Gene: ACTA1 (actin alpha 1, skeletal muscle; minus strand). Cytogenetic location: 1q42.13.
Variant type: Deletion.
Coding change: c.-12-61del on transcript NM_001100.4 (MANE Select); 61 bases into the intron before 12 bases upstream of the start codon, one base deleted (C; older notation c.-12-61delC).
Molecular consequence: intron variant.
Genome position (GRCh38, 1-based): chr1:229,433,188, G deleted on the plus strand (C on the coding strand, the reverse complement: ACTA1 is on the minus strand); the first of 8 consecutive G bases (chr1:229,433,188-229,433,195); deleting any one gives the same sequence. VCF-style (leftmost placement, unchanged base first): chr1-229433187-AG-A. GRCh37 (hg19) VCF-style: chr1-229568934-AG-A.
Identifiers: ClinVar variation 676566 (VCV000676566.1), dbSNP rs57214022, ClinGen allele CA38817237.

ClinVar aggregate classification (germline): Benign (1 of 4 stars; one submission).

Submission:

GeneDx
Classification: Benign. Last evaluated: 2018-06-19. Review status: criteria provided, single submitter. Criteria: GeneDx Variant Classification (06012015). Collection method: clinical testing. Allele origin: germline. Affected: yes.
Comment: This variant is considered likely benign or benign based on one or more of the following criteria: it is a conservative change, it occurs at a poorly conserved position in the protein, it is predicted to be benign by multiple in silico algorithms, and/or has population frequency not consistent with disease.